The following is an entry in ClinVar:

NM_001355436.2(SPTB):c.148+1G>A

Gene: SPTB (spectrin beta, erythrocytic; minus strand). Cytogenetic location: 14q23.3.
Variant type: single nucleotide variant.
Coding change: c.148+1G>A on transcript NM_001355436.2 (MANE Select); the canonical splice donor site of the intron after coding-DNA position 148, G replaced by A.
Molecular consequence: splice donor variant.
Genome position (GRCh38, 1-based): chr14:64,822,946, C>T on the plus strand (G>A on the coding strand, the complement: SPTB is on the minus strand). VCF-style: chr14-64822946-C-T. GRCh37 (hg19) VCF-style: chr14-65289664-C-T.
Other names: p.?; c.148+1G>A (NM_001024858.4, NM_001355437.2).
Identifiers: ClinVar variation 3391445 (VCV003391445.1).

ClinVar aggregate classification (germline): Likely pathogenic (1 of 4 stars; one submission).

Submission:

Mayo Clinic Laboratories, Mayo Clinic
Classification: Likely pathogenic. Last evaluated: 2024-03-18. Review status: criteria provided, single submitter. Criteria: ACMG Guidelines, 2015. Collection method: clinical testing. Allele origin: germline.
Comment: PM2_moderate, PVS1

Literature cited by the submitters: PubMed 34140613.